The following is an entry in ClinVar:

NM_000380.4(XPA):c.507T>C (p.Asn169=)

Gene: XPA (XPA, DNA damage recognition and repair factor; minus strand). Cytogenetic location: 9q22.33.
Variant type: single nucleotide variant.
Coding change: c.507T>C on transcript NM_000380.4 (MANE Select); coding-DNA position 507, T replaced by C.
Protein change: p.Asn169=; no amino-acid change (asparagine 169 retained).
Molecular consequence: synonymous variant. On other transcripts: non-coding transcript variant (4).
Genome position (GRCh38, 1-based): chr9:97,687,144, A>G on the plus strand (T>C on the coding strand, the complement: XPA is on the minus strand). VCF-style: chr9-97687144-A-G. GRCh37 (hg19) VCF-style: chr9-100449426-A-G.
Other names: c.381T>C, p.Asn127= (NM_001354975.2).
Identifiers: ClinVar variation 1078359 (VCV001078359.35), dbSNP rs374056889, ClinGen allele CA5148810.

ClinVar aggregate classification (germline): Likely benign. Review status: criteria provided, multiple submitters, no conflicts (2 of 4 stars). 2 submissions from 2 submitters: Likely benign (2). Last evaluated 2023-06-01.

Allele frequency attached by ClinVar (database versions not stated): gnomAD exomes below 0.00001; gnomAD 0.00001; TOPMed 0.00001; ExAC 0.00002; ESP Exome Variant Server 0.00008.

Submissions (2):

CeGaT Center for Human Genetics Tuebingen
Classification: Likely benign. Last evaluated: 2023-06-01. Review status: criteria provided, single submitter. Criteria: CeGaT Center For Human Genetics Tuebingen Variant Classification Criteria Version 2. Collection method: clinical testing. Allele origin: germline. Affected: yes. Observed: 1 variant allele.
Comment: XPA: BP4, BP7

Labcorp Genetics (formerly Invitae), Labcorp
Classification: Likely benign. Last evaluated: 2023-05-02. Review status: criteria provided, single submitter. Criteria: Invitae Variant Classification Sherloc (09022015). Collection method: clinical testing. Allele origin: germline.